The following is an entry in ClinVar:

NM_001458.5(FLNC):c.6320C>G (p.Thr2107Ser)

Genes: FLNC-AS1 (FLNC antisense RNA 1; minus strand), FLNC (filamin C; plus strand). Cytogenetic location: 7q32.1.
Variant type: single nucleotide variant.
Coding change: c.6320C>G on transcript NM_001458.5 (MANE Select); coding-DNA position 6320, C replaced by G.
Protein change: p.Thr2107Ser; replaces threonine 2107 with serine.
Molecular consequence: missense variant.
Genome position (GRCh38, 1-based): chr7:128,853,580, C>G. VCF-style: chr7-128853580-C-G. GRCh37 (hg19) VCF-style: chr7-128493634-C-G.
Other names: c.6221C>G, p.Thr2074Ser (NM_001127487.2); short protein forms T2074S, T2107S.
Identifiers: ClinVar variation 3756884 (VCV003756884.2).

ClinVar aggregate classification (germline): Uncertain significance (1 of 4 stars; one submission).

Conditions:
Distal myopathy with posterior leg and anterior hand involvement. Also called: WILLIAMS DISTAL MYOPATHY. Identifiers: Orphanet 63273, MedGen C3279722, MONDO:0013550, OMIM 614065.
Hypertrophic cardiomyopathy 26. Also called: Cardiomyopathy, familial hypertrophic, 26. Identifiers: Orphanet 75249, MedGen C4310749, MONDO:0014883, OMIM 617047.
Myofibrillar myopathy 5. Also called: Filaminopathy (type); FILAMINOPATHY, AUTOSOMAL DOMINANT. Identifiers: Orphanet 171445, MedGen C1836050, MONDO:0012289, OMIM 609524.

gnomAD v4.1: 2 of 1,614,166 alleles (0.00012%); highest among the groups gnomAD compares: Non-Finnish European, 0.00017%; no homozygotes.

Submission:

Labcorp Genetics (formerly Invitae), Labcorp
Classification: Uncertain significance for Distal myopathy with posterior leg and anterior hand involvement; Myofibrillar myopathy 5; Hypertrophic cardiomyopathy 26. Last evaluated: 2024-06-20. Review status: criteria provided, single submitter. Criteria: Invitae Variant Classification Sherloc (09022015). Collection method: clinical testing. Allele origin: germline.
Comment: This sequence change replaces threonine, which is neutral and polar, with serine, which is neutral and polar, at codon 2107 of the FLNC protein (p.Thr2107Ser). This variant is present in population databases (no rsID available, gnomAD 0.0009%). This variant has not been reported in the literature in individuals affected with FLNC-related conditions. Advanced modeling of protein sequence and biophysical properties (such as structural, functional, and spatial information, amino acid conservation, physicochemical variation, residue mobility, and thermodynamic stability) has been performed at Invitae for this missense variant, however the output from this modeling did not meet the statistical confidence thresholds required to predict the impact of this variant on FLNC protein function. In summary, the available evidence is currently insufficient to determine the role of this variant in disease. Therefore, it has been classified as a Variant of Uncertain Significance.